The following is an entry in ClinVar:

ClinVar aggregate classification (germline): Benign/Likely benign. Review status: criteria provided, multiple submitters, no conflicts (2 of 4 stars). 3 submissions from 3 submitters: Benign (1); Likely benign (2). Last evaluated 2025-03-11.

Conditions:
Mitochondrial complex II deficiency, nuclear type 1. Also called: SUCCINATE CoQ REDUCTASE DEFICIENCY. Identifiers: Orphanet 3208, MedGen C5700310, MONDO:0100294, OMIM 252011.
Pheochromocytoma/paraganglioma syndrome 5. Also called: Paragangliomas 5; SDHA-Related Hereditary Paraganglioma-Pheochromocytoma Syndrome. Identifiers: Orphanet 29072, MedGen C3279992, MONDO:0013602, OMIM 614165.
Hereditary cancer-predisposing syndrome. Also called: Neoplastic Syndromes, Hereditary; Hereditary Cancer Syndrome; Hereditary neoplastic syndrome; Tumor predisposition. Identifiers: Orphanet 140162, MedGen C0027672, MeSH D009386, MONDO:0015356.

Submissions (3):

Myriad Genetics, Inc.
Classification: Benign for Pheochromocytoma/paraganglioma syndrome 5. Last evaluated: 2025-03-11. Review status: criteria provided, single submitter. Criteria: Myriad Autosomal Dominant, Autosomal Recessive and X-Linked Classification Criteria (2023). Collection method: clinical testing. Allele origin: unknown.
Comment: This variant is considered benign. This variant is a silent/synonymous amino acid change and it is not expected to impact splicing.

Labcorp Genetics (formerly Invitae), Labcorp
Classification: Likely benign for Pheochromocytoma/paraganglioma syndrome 5; Mitochondrial complex II deficiency, nuclear type 1. Last evaluated: 2024-04-25. Review status: criteria provided, single submitter. Criteria: Invitae Variant Classification Sherloc (09022015). Collection method: clinical testing. Allele origin: germline.

Ambry Genetics
Classification: Likely benign for Hereditary cancer-predisposing syndrome. Last evaluated: 2020-09-03. Review status: criteria provided, single submitter. Criteria: Ambry Variant Classification Scheme 2023. Collection method: clinical testing. Allele origin: germline.

NM_004168.4(SDHA):c.1926A>G (p.Arg642=)

Gene: SDHA (succinate dehydrogenase complex flavoprotein subunit A; plus strand). Cytogenetic location: 5p15.33.
Variant type: single nucleotide variant.
Coding change: c.1926A>G on transcript NM_004168.4 (MANE Select); coding-DNA position 1926, A replaced by G.
Protein change: p.Arg642=; no amino-acid change (arginine 642 retained).
Molecular consequence: synonymous variant.
Genome position (GRCh38, 1-based): chr5:256,351, A>G. VCF-style: chr5-256351-A-G. GRCh37 (hg19) VCF-style: chr5-256466-A-G.
Other names: c.1782A>G, p.Arg594= (NM_001294332.2); c.1683A>G, p.Arg561= (NM_001330758.2).
Identifiers: ClinVar variation 472374 (VCV000472374.14), dbSNP rs1554002873, ClinGen allele CA359002684.
Genomic context (GRCh38, chr5:256,351, plus strand): 5'-GTACATTTTTGTGCTTAACTTACCACTGACTCTTCTTTTCAAGGTCACTCTGGAATATAG[A>G]CCCGTGATCGACAAAACTTTGAACGAGGCTGACTGTGCCACCGTCCCGCCAGCCATTCGC-3'
Protein context (NP_004159.2, residues 632-652): VGTGKVTLEY[Arg642=]PVIDKTLNEA